The following is an entry in ClinVar:

NM_002474.3(MYH11):c.1078G>A (p.Val360Ile)

Gene: MYH11 (myosin heavy chain 11; minus strand). Cytogenetic location: 16p13.11.
Variant type: single nucleotide variant.
Coding change: c.1078G>A on transcript NM_002474.3 (MANE Select); coding-DNA position 1078, G replaced by A.
Protein change: p.Val360Ile; replaces valine 360 with isoleucine.
Molecular consequence: missense variant.
Genome position (GRCh38, 1-based): chr16:15,763,847, C>T on the plus strand (G>A on the coding strand, the complement: MYH11 is on the minus strand). VCF-style: chr16-15763847-C-T. GRCh37 (hg19) VCF-style: chr16-15857704-C-T.
Other names: c.1099G>A, p.Val367Ile (NM_001040113.2, NM_001040114.2); c.1078G>A, p.Val360Ile (NM_022844.3); short protein forms V367I, V360I.
Identifiers: ClinVar variation 886154 (VCV000886154.21), dbSNP rs111677442, ClinGen allele CA7922732.

ClinVar aggregate classification (germline): Conflicting classifications of pathogenicity. Review status: criteria provided, conflicting classifications (1 of 4 stars). 7 submissions from 7 submitters: Uncertain significance (4); Likely benign (3). Last evaluated 2026-04-22.

Conditions:
Familial thoracic aortic aneurysm and aortic dissection (TAAD). Also called: Thoracic aortic aneurysms and dissections. Identifiers: Orphanet 91387, MedGen C4707243, MONDO:0019625.
Aortic aneurysm, familial thoracic 4 (AAT4). Also called: AORTIC ANEURYSM/AORTIC DISSECTION AND PATENT DUCTUS ARTERIOSUS. Identifiers: MedGen C1851504, MONDO:0007568, OMIM 132900.

Allele frequency attached by ClinVar (database versions not stated): TOPMed 0.00022; gnomAD exomes 0.00005 and 0.00003; ESP Exome Variant Server 0.00015; gnomAD 0.00021 and 0.00022; ExAC 0.00006.

Submissions (7):

GeneDx
Classification: Uncertain significance. Last evaluated: 2026-04-22. Review status: criteria provided, single submitter. Criteria: GeneDx Variant Classification Process June 2021. Collection method: clinical testing. Allele origin: germline.
Comment: In silico analysis suggests that this missense variant does not alter protein structure/function; Observed in a cohort of patients with sudden unexpected infant death (PMID: 38895864); This variant is associated with the following publications: (PMID: 38895864)

Labcorp Genetics (formerly Invitae), Labcorp
Classification: Uncertain significance for Aortic aneurysm, familial thoracic 4. Last evaluated: 2026-01-12. Review status: criteria provided, single submitter. Criteria: Invitae Variant Classification Sherloc (09022015). Collection method: clinical testing. Allele origin: germline.
Comment: This sequence change replaces valine, which is neutral and non-polar, with isoleucine, which is neutral and non-polar, at codon 367 of the MYH11 protein (p.Val367Ile). This variant is present in population databases (rs111677442, gnomAD 0.04%). This missense change has been observed in individual(s) with sudden death (PMID: 38895864). This variant is also known as c.1078G>A (p.Val360Ile). ClinVar contains an entry for this variant (Variation ID: 886154). Invitae Evidence Modeling of protein sequence and biophysical properties (such as structural, functional, and spatial information, amino acid conservation, physicochemical variation, residue mobility, and thermodynamic stability) indicates that this missense variant is not expected to disrupt MYH11 protein function with a negative predictive value of 95%. In summary, the available evidence is currently insufficient to determine the role of this variant in disease. Therefore, it has been classified as a Variant of Uncertain Significance.

Blueprint Genetics
Classification: Likely benign. Last evaluated: 2024-09-20. Review status: criteria provided, single submitter. Criteria: ACMG Guidelines, 2015. Collection method: clinical testing. Allele origin: germline.

Ambry Genetics
Classification: Uncertain significance for Familial thoracic aortic aneurysm and aortic dissection. Last evaluated: 2024-04-14. Review status: criteria provided, single submitter. Criteria: Ambry Variant Classification Scheme 2023. Collection method: clinical testing. Allele origin: germline.
Comment: The p.V360I variant (also known as c.1078G>A), located in coding exon 9 of the MYH11 gene, results from a G to A substitution at nucleotide position 1078. The valine at codon 360 is replaced by isoleucine, an amino acid with highly similar properties. This amino acid position is conserved. In addition, this alteration is predicted to be tolerated by in silico analysis. Since supporting evidence is limited at this time, the clinical significance of this alteration remains unclear.

Women's Health and Genetics/Laboratory Corporation of America, LabCorp
Classification: Likely benign. Last evaluated: 2023-08-10. Review status: criteria provided, single submitter. Criteria: LabCorp Variant Classification Summary - May 2015. Collection method: clinical testing. Allele origin: germline.

Color Diagnostics, LLC DBA Color Health
Classification: Likely benign for Familial thoracic aortic aneurysm and aortic dissection. Last evaluated: 2020-02-26. Review status: criteria provided, single submitter. Criteria: ACMG Guidelines, 2015. Collection method: clinical testing. Allele origin: germline.

Illumina Laboratory Services, Illumina
Classification: Uncertain significance for Aortic aneurysm, familial thoracic 4. Last evaluated: 2018-01-12. Review status: criteria provided, single submitter. Criteria: ICSL Variant Classification Criteria 13 December 2019. Collection method: clinical testing. Allele origin: germline.

Literature cited by the submitters: PubMed 38895864 (cited by Labcorp Genetics (formerly Invitae), Labcorp).